The following is an entry in ClinVar:

ClinVar aggregate classification (germline): Likely benign (1 of 4 stars; one submission).

Submission:

CeGaT Center for Human Genetics Tuebingen
Classification: Likely benign. Last evaluated: 2024-11-01. Review status: criteria provided, single submitter. Criteria: CeGaT Center For Human Genetics Tuebingen Variant Classification Criteria Version 2. Collection method: clinical testing. Allele origin: germline. Affected: yes. Observed: 1 variant allele.
Comment: SYNC: PM2:Supporting, BP4, BP7

NM_030786.3(SYNC):c.969A>G (p.Arg323=)

Gene: SYNC (syncoilin, intermediate filament protein; minus strand). Cytogenetic location: 1p35.1.
Variant type: single nucleotide variant.
Coding change: c.969A>G on transcript NM_030786.3 (MANE Select); coding-DNA position 969, A replaced by G.
Protein change: p.Arg323=; no amino-acid change (arginine 323 retained).
Molecular consequence: synonymous variant.
Genome position (GRCh38, 1-based): chr1:32,695,129, T>C on the plus strand (A>G on the coding strand, the complement: SYNC is on the minus strand). VCF-style: chr1-32695129-T-C. GRCh37 (hg19) VCF-style: chr1-33160730-T-C.
Other names: c.969A>G, p.Arg323= (NM_001161708.2).
Identifiers: ClinVar variation 3388859 (VCV003388859.14).